The following is an entry in ClinVar:

ClinVar aggregate classification (germline): Uncertain significance (1 of 4 stars; one submission).

Conditions:
Cardiovascular phenotype. Identifiers: MedGen CN230736.

Submission:

Ambry Genetics
Classification: Uncertain significance for Cardiovascular phenotype. Last evaluated: 2023-06-26. Review status: criteria provided, single submitter. Criteria: Ambry Variant Classification Scheme 2023. Collection method: clinical testing. Allele origin: germline.
Comment: The c.578_601del24 variant (also known as p.P193_G201delinsR), located in coding exon 3 of the APOA5 gene, results from an in-frame deletion of 24 nucleotides (CATACGCCGAGAGCCTGGTGAGCG) at nucleotide positions 578 to 601. This results in the substitution of 9 native amino acid residues (PYAESLVSG) at codons 193 to 201 for an arginine residue. This variant is considered to be rare based on population cohorts in the Genome Aggregation Database (gnomAD). This amino acid region is not well conserved in available vertebrate species. Since supporting evidence is limited at this time, the clinical significance of this alteration remains unclear.

NM_001371904.1(APOA5):c.578_601del (p.Pro193_Gly201delinsArg)

Gene: APOA5 (apolipoprotein A5; minus strand). Cytogenetic location: 11q23.3.
Variant type: Deletion.
Coding change: c.578_601del on transcript NM_001371904.1 (MANE Select); coding-DNA positions 578 to 601, 24 bases deleted (CATACGCCGAGAGCCTGGTGAGCG).
Protein change: p.Pro193_Gly201delinsArg.
Molecular consequence: inframe indel.
Genome position (GRCh38, 1-based): chr11:116,790,628-116,790,651, CGCTCACCAGGCTCTCGGCGTATG deleted on the plus strand (CATACGCCGAGAGCCTGGTGAGCG on the coding strand, the reverse complement: APOA5 is on the minus strand). VCF-style (leftmost placement, unchanged base first): chr11-116790627-CCGCTCACCAGGCTCTCGGCGTATG-C. GRCh37 (hg19) VCF-style: chr11-116661343-CCGCTCACCAGGCTCTCGGCGTATG-C.
Other names: c.578_601del, p.Pro193_Gly201delinsArg (NM_001166598.2, NM_052968.5).
Identifiers: ClinVar variation 2587094 (VCV002587094.2), dbSNP rs2540244434, ClinGen allele CA2582342475.